The following is an entry in ClinVar:

ClinVar aggregate classification (germline): Likely benign (1 of 4 stars; one submission).

Allele frequency attached by ClinVar (database versions not stated): TOPMed 0.01147; gnomAD 0.01213 and 0.01137; 1000 Genomes Project 0.01258; 1000 Genomes Project 30x 0.01312.
gnomAD v4.1: 1,834 of 151,954 alleles (1.2%); highest among the groups gnomAD compares: South Asian, 3.3%; 19 homozygotes.

Submission:

GeneDx
Classification: Likely benign. Last evaluated: 2018-06-17. Review status: criteria provided, single submitter. Criteria: GeneDx Variant Classification (06012015). Collection method: clinical testing. Allele origin: germline. Affected: yes.
Comment: This variant is considered likely benign or benign based on one or more of the following criteria: it is a conservative change, it occurs at a poorly conserved position in the protein, it is predicted to be benign by multiple in silico algorithms, and/or has population frequency not consistent with disease.

NM_024529.5(CDC73):c.1155-166C>T

Gene: CDC73 (cell division cycle 73; plus strand). Cytogenetic location: 1q31.2.
Variant type: single nucleotide variant.
Coding change: c.1155-166C>T on transcript NM_024529.5 (MANE Select); 166 bases into the intron before coding-DNA position 1155, C replaced by T.
Molecular consequence: intron variant.
Genome position (GRCh38, 1-based): chr1:193,232,827, C>T. VCF-style: chr1-193232827-C-T. GRCh37 (hg19) VCF-style: chr1-193201957-C-T.
Identifiers: ClinVar variation 677562 (VCV000677562.1), dbSNP rs140252535, ClinGen allele CA35101329.